The following is an entry in ClinVar:

NM_001367805.3(KIF23):c.835T>A (p.Cys279Ser)

Gene: KIF23 (kinesin family member 23; plus strand). Cytogenetic location: 15q23.
Variant type: single nucleotide variant.
Coding change: c.835T>A on transcript NM_001367805.3 (MANE Select); coding-DNA position 835, T replaced by A.
Protein change: p.Cys279Ser; replaces cysteine 279 with serine.
Molecular consequence: missense variant. On other transcripts: non-coding transcript variant (2).
Genome position (GRCh38, 1-based): chr15:69,426,128, T>A. VCF-style: chr15-69426128-T-A. GRCh37 (hg19) VCF-style: chr15-69718467-T-A.
Other names: c.463T>A, p.Cys155Ser (NM_001281301.2); c.793T>A, p.Cys265Ser (NM_001367804.2, NM_004856.7, NM_138555.4); short protein forms C265S, C155S, C279S.
Identifiers: ClinVar variation 2880974 (VCV002880974.3), dbSNP rs1278631697, ClinGen allele CA393004469.

ClinVar aggregate classification (germline): Uncertain significance (1 of 4 stars; one submission).

Allele frequency attached by ClinVar (database versions not stated): gnomAD exomes 0.00001.
gnomAD v4.1: 13 of 1,609,664 alleles (0.00081%); highest among the groups gnomAD compares: Non-Finnish European, 0.0011%; no homozygotes.

Submission:

Labcorp Genetics (formerly Invitae), Labcorp
Classification: Uncertain significance. Last evaluated: 2023-07-09. Review status: criteria provided, single submitter. Criteria: Invitae Variant Classification Sherloc (09022015). Collection method: clinical testing. Allele origin: germline.
Comment: In summary, the available evidence is currently insufficient to determine the role of this variant in disease. Therefore, it has been classified as a Variant of Uncertain Significance. Advanced modeling of protein sequence and biophysical properties (such as structural, functional, and spatial information, amino acid conservation, physicochemical variation, residue mobility, and thermodynamic stability) has been performed at Invitae for this missense variant, however the output from this modeling did not meet the statistical confidence thresholds required to predict the impact of this variant on KIF23 protein function. This variant has not been reported in the literature in individuals affected with KIF23-related conditions. This variant is present in population databases (no rsID available, gnomAD 0.0009%). This sequence change replaces cysteine, which is neutral and slightly polar, with serine, which is neutral and polar, at codon 265 of the KIF23 protein (p.Cys265Ser).